The following is an entry in ClinVar:

NM_001048174.2(MUTYH):c.453C>G (p.Tyr151Ter)

Gene: MUTYH (mutY DNA glycosylase; minus strand). Cytogenetic location: 1p34.1.
Variant type: single nucleotide variant.
Coding change: c.453C>G on transcript NM_001048174.2 (MANE Select); coding-DNA position 453, C replaced by G.
Protein change: p.Tyr151Ter; replaces tyrosine 151 with a stop codon.
Molecular consequence: nonsense. On other transcripts: non-coding transcript variant (2).
Genome position (GRCh38, 1-based): chr1:45,332,802, G>C on the plus strand (C>G on the coding strand, the complement: MUTYH is on the minus strand). VCF-style: chr1-45332802-G-C. GRCh37 (hg19) VCF-style: chr1-45798474-G-C.
Other names: c.453C>G, p.Tyr151Ter (NM_001048171.2, NM_001048173.2, NM_001293195.2); c.456C>G, p.Tyr152Ter (NM_001048172.2); c.537C>G, p.Tyr179Ter (NM_001128425.2); c.498C>G, p.Tyr166Ter (NM_001293190.2); c.486C>G, p.Tyr162Ter (NM_001293191.2); c.177C>G, p.Tyr59Ter (NM_001293192.2, NM_001293196.2); c.108C>G, p.Tyr36Ter (NM_001350650.2, NM_001350651.2); c.528C>G, p.Tyr176Ter (NM_012222.3); short protein forms Y152*, Y166*, Y176*, Y179*, Y36*, Y162*, Y151*, Y59*.
Identifiers: ClinVar variation 923118 (VCV000923118.4), dbSNP rs1645192561, ClinGen allele CA340135708.
Genomic context (GRCh38, chr1:45,332,802, plus strand): 5'-ACCCTCCTGCCATCCCCTTACCTTCCGAGCTCCCTCCTGCAGCCGCCGGCCACGAGAATA[G>C]TAGCCCAGGCCAGCCCAGAGTTGATTCACCTCCTGTGGGTAGGATCAGAGGTCAAAGAGA-3'

ClinVar aggregate classification (germline): Pathogenic/Likely pathogenic. Review status: criteria provided, multiple submitters, no conflicts (2 of 4 stars). 2 submissions from 2 submitters: Pathogenic (1); Likely pathogenic (1). Last evaluated 2022-11-26.

Conditions:
Hereditary cancer-predisposing syndrome. Also called: Neoplastic Syndromes, Hereditary; Tumor predisposition; Hereditary Cancer Syndrome; Hereditary neoplastic syndrome. Identifiers: Orphanet 140162, MedGen C0027672, MeSH D009386, MONDO:0015356.
Familial adenomatous polyposis 2. Also called: Adenomas, multiple colorectal; MUTYH Polyposis; COLORECTAL ADENOMATOUS POLYPOSIS, AUTOSOMAL RECESSIVE; ADENOMAS, MULTIPLE COLORECTAL, AUTOSOMAL RECESSIVE; MUTYH-associated polyposis; MUTYH-related attenuated familial adenomatous polyposis. Identifiers: Orphanet 220460, Orphanet 247798, MedGen C3272841, MONDO:0012041, OMIM 608456.

Submissions (2):

Baylor Genetics
Classification: Likely pathogenic for Familial adenomatous polyposis 2. Last evaluated: 2022-11-26. Review status: criteria provided, single submitter. Criteria: ACMG Guidelines, 2015. Collection method: clinical testing. Allele origin: unknown.

Color Diagnostics, LLC DBA Color Health
Classification: Pathogenic for Hereditary cancer-predisposing syndrome. Last evaluated: 2020-01-15. Review status: criteria provided, single submitter. Criteria: ACMG Guidelines, 2015. Collection method: clinical testing. Allele origin: germline.
Comment: This variant changes 1 nucleotide in exon 7 of the MUTYH gene, creating a premature translation stop signal. This variant is expected to result in an absent or non-functional protein product. This variant has not been identified in the general population by the Genome Aggregation Database (gnomAD). Loss of MUTYH function is a known mechanism of disease. Based on the available evidence, this variant is classified as Pathogenic.